The following is an entry in ClinVar:

ClinVar aggregate classification (germline): Uncertain significance. Review status: criteria provided, multiple submitters, no conflicts (2 of 4 stars). 2 submissions from 2 submitters: Uncertain significance (2). Last evaluated 2024-12-16.

Conditions:
Retinitis pigmentosa 74 (RP74). Identifiers: Orphanet 791, MedGen C4225281, MONDO:0014692, OMIM 616562.
Bardet-Biedl syndrome 2 (BBS2). Identifiers: Orphanet 110, MedGen C2936863, MONDO:0014432, OMIM 615981.
Bardet-Biedl syndrome (BBS). Identifiers: Orphanet 110, MedGen C0752166, MONDO:0015229.

Allele frequency attached by ClinVar (database versions not stated): gnomAD exomes below 0.00001 and 0.00002; ExAC 0.00001; gnomAD 0.00001; TOPMed 0.00001; ESP Exome Variant Server 0.00008.
gnomAD v4.1: 33 of 1,613,852 alleles (0.002%); highest among the groups gnomAD compares: Non-Finnish European, 0.0025%; no homozygotes.

Submissions (2):

Labcorp Genetics (formerly Invitae), Labcorp
Classification: Uncertain significance for Bardet-Biedl syndrome. Last evaluated: 2024-12-16. Review status: criteria provided, single submitter. Criteria: Invitae Variant Classification Sherloc (09022015). Collection method: clinical testing. Allele origin: germline.
Comment: This sequence change replaces leucine, which is neutral and non-polar, with valine, which is neutral and non-polar, at codon 519 of the BBS2 protein (p.Leu519Val). This variant is present in population databases (rs374028829, gnomAD 0.002%). This variant has not been reported in the literature in individuals affected with BBS2-related conditions. ClinVar contains an entry for this variant (Variation ID: 842436). Invitae Evidence Modeling of protein sequence and biophysical properties (such as structural, functional, and spatial information, amino acid conservation, physicochemical variation, residue mobility, and thermodynamic stability) has been performed for this missense variant. However, the output from this modeling did not meet the statistical confidence thresholds required to predict the impact of this variant on BBS2 protein function. In summary, the available evidence is currently insufficient to determine the role of this variant in disease. Therefore, it has been classified as a Variant of Uncertain Significance.

Fulgent Genetics
Classification: Uncertain significance for Bardet-Biedl syndrome 2; Retinitis pigmentosa 74. Last evaluated: 2024-03-08. Review status: criteria provided, single submitter. Criteria: ACMG Guidelines, 2015. Collection method: clinical testing. Allele origin: germline.

NM_031885.5(BBS2):c.1555C>G (p.Leu519Val)

Gene: BBS2 (Bardet-Biedl syndrome 2; minus strand). Cytogenetic location: 16q13.
Variant type: single nucleotide variant.
Coding change: c.1555C>G on transcript NM_031885.5 (MANE Select); coding-DNA position 1555, C replaced by G.
Protein change: p.Leu519Val; replaces leucine 519 with valine.
Molecular consequence: missense variant. On other transcripts: non-coding transcript variant (5).
Genome position (GRCh38, 1-based): chr16:56,498,541, G>C on the plus strand (C>G on the coding strand, the complement: BBS2 is on the minus strand). VCF-style: chr16-56498541-G-C. GRCh37 (hg19) VCF-style: chr16-56532453-G-C.
Other names: c.1555C>G, p.Leu519Val (NM_001377456.1); short protein forms L519V.
Identifiers: ClinVar variation 842436 (VCV000842436.11), dbSNP rs374028829, ClinGen allele CA8065674.